The following is an entry in ClinVar:

ClinVar aggregate classification (germline): Uncertain significance (1 of 4 stars; one submission).

gnomAD v4.1: 24 of 1,613,822 alleles (0.0015%); highest among the groups gnomAD compares: Admixed American, 0.005%; no homozygotes.

Submission:

Labcorp Genetics (formerly Invitae), Labcorp
Classification: Uncertain significance. Last evaluated: 2026-01-26. Review status: criteria provided, single submitter. Criteria: Invitae Variant Classification Sherloc (09022015). Collection method: clinical testing. Allele origin: germline.
Comment: This sequence change replaces arginine, which is basic and polar, with glutamine, which is neutral and polar, at codon 2134 of the CACNA1D protein (p.Arg2134Gln). This variant is present in population databases (rs149416995, gnomAD 0.006%). This variant has not been reported in the literature in individuals affected with CACNA1D-related conditions. ClinVar contains an entry for this variant (Variation ID: 1439396). An algorithm developed to predict the effect of missense changes on protein structure and function (PolyPhen-2) suggests that this variant is likely to be tolerated. In summary, the available evidence is currently insufficient to determine the role of this variant in disease. Therefore, it has been classified as a Variant of Uncertain Significance.

NM_001128840.3(CACNA1D):c.6341G>A (p.Arg2114Gln)

Gene: CACNA1D (calcium voltage-gated channel subunit alpha1 D; plus strand). Cytogenetic location: 3p21.1.
Variant type: single nucleotide variant.
Coding change: c.6341G>A on transcript NM_001128840.3 (MANE Select); coding-DNA position 6341, G replaced by A.
Protein change: p.Arg2114Gln; replaces arginine 2114 with glutamine.
Molecular consequence: missense variant.
Genome position (GRCh38, 1-based): chr3:53,811,261, G>A. VCF-style: chr3-53811261-G-A. GRCh37 (hg19) VCF-style: chr3-53845288-G-A.
Other names: c.6401G>A, p.Arg2134Gln (NM_000720.4); c.6269G>A, p.Arg2090Gln (NM_001128839.3); short protein forms R2090Q, R2114Q, R2134Q.
Identifiers: ClinVar variation 1439396 (VCV001439396.6), dbSNP rs149416995, ClinGen allele CA2455430.
Genomic context (GRCh38, chr3:53,811,261, plus strand): 5'-TCACCATCGACGAGATGGAGAGTGCAGCCAGCACCCTGCTTAATGGGAACGTGCGTCCCC[G>A]AGCCAACGGGGATGTGGGCCCCCTCTCACACCGGCAGGACTATGAGCTACAGGACTTTGG-3'
Protein context (NP_001122312.1, residues 2104-2124): STLLNGNVRP[Arg2114Gln]ANGDVGPLSH